The following is an entry in ClinVar:

ClinVar aggregate classification (germline): Uncertain significance (1 of 4 stars; one submission).

Conditions:
Tuberous sclerosis 2 (TSC2). Identifiers: Orphanet 805, MedGen C1860707, MONDO:0013199, OMIM 613254.

Submission:

Labcorp Genetics (formerly Invitae), Labcorp
Classification: Uncertain significance for Tuberous sclerosis 2. Last evaluated: 2020-11-21. Review status: criteria provided, single submitter. Criteria: Invitae Variant Classification Sherloc (09022015). Collection method: clinical testing. Allele origin: germline.
Comment: In summary, the available evidence is currently insufficient to determine the role of this variant in disease. Therefore, it has been classified as a Variant of Uncertain Significance. Nucleotide substitutions within the consensus splice site are a relatively common cause of aberrant splicing (PMID: 17576681, 9536098). Algorithms developed to predict the effect of sequence changes on RNA splicing suggest that this variant may disrupt the consensus splice site, but this prediction has not been confirmed by published transcriptional studies. This variant has not been reported in the literature in individuals with TSC2-related conditions. This variant is not present in population databases (ExAC no frequency). This sequence change falls in intron 8 of the TSC2 gene. It does not directly change the encoded amino acid sequence of the TSC2 protein. It affects a nucleotide within the consensus splice site of the intron.

Literature cited by the submitters: PubMed 17576681; PubMed 9536098.

NM_000548.5(TSC2):c.774+3G>C

Gene: TSC2 (TSC complex subunit 2; plus strand). Cytogenetic location: 16p13.3.
Variant type: single nucleotide variant.
Coding change: c.774+3G>C on transcript NM_000548.5 (MANE Select); 3 bases into the intron after coding-DNA position 774, G replaced by C.
Molecular consequence: intron variant.
Genome position (GRCh38, 1-based): chr16:2,056,772, G>C. VCF-style: chr16-2056772-G-C. GRCh37 (hg19) VCF-style: chr16-2106773-G-C.
Other names: c.774+3G>C (NM_001114382.3, NM_021055.3, NM_001370405.1 and 3 more transcripts); c.663+3G>C (NM_001318827.2); c.174+3G>C (NM_001318831.2); c.627+3G>C (NM_001318829.2); c.807+3G>C (NM_001318832.2).
Identifiers: ClinVar variation 1413892 (VCV001413892.6), dbSNP rs2151081990, ClinGen allele CA2573151826.